The following is an entry in ClinVar:

NM_003322.6(TULP1):c.822G>C (p.Lys274Asn)

Gene: TULP1 (TUB like protein 1; minus strand). Cytogenetic location: 6p21.31.
Variant type: single nucleotide variant.
Coding change: c.822G>C on transcript NM_003322.6 (MANE Select); coding-DNA position 822, G replaced by C.
Protein change: p.Lys274Asn; replaces lysine 274 with asparagine.
Molecular consequence: missense variant.
Genome position (GRCh38, 1-based): chr6:35,509,209, C>G on the plus strand (G>C on the coding strand, the complement: TULP1 is on the minus strand). VCF-style: chr6-35509209-C-G. GRCh37 (hg19) VCF-style: chr6-35476986-C-G.
Other names: NC_000006.11:g.35476986C>G; NP_003313.3:p.(Lys274Asn); c.663G>C, p.Lys221Asn (NM_001289395.2); short protein forms K221N, K274N.
Identifiers: ClinVar variation 3381791 (VCV003381791.2).
Genomic context (GRCh38, chr6:35,509,209, plus strand): 5'-CCAGGCCCCTGCCTCTGCTCCCTGAAGGGACCTCAGCCCCCTGCCCCTCTGGGCCCCAAC[C>G]TTTTTGCCTTTTCCTTTGGCTTTGCCCTTTTGATTGCTCTTCTTTATCACCGTAGCTGCC-3'
Protein context (NP_003313.3, residues 264-284): QKGKAKGKGK[Lys274Asn]KAKEERAPSP

ClinVar aggregate classification (germline): Likely pathogenic (1 of 4 stars; one submission).

Conditions:
Retinal dystrophy. Also called: Inherited retinal dystrophy. Identifiers: Orphanet 71862, MedGen C0854723, MeSH D058499, MONDO:0019118, HP:0000556.

Submission:

Ophthalmic Genetics Group, Institute of Molecular and Clinical Ophthalmology Basel
Classification: Likely pathogenic for Retinal dystrophy. Last evaluated: 2024-05-27. Review status: criteria provided, single submitter. Criteria: ACMG Guidelines, 2015. Collection method: research. Allele origin: germline. Affected: yes. Observed: 2 variant alleles.
Comment: This variant was classified as Likely pathogenic based on ACMG criteria: PM2_mod, PP1_mod and PP3_mod

Literature cited by the submitters: PubMed 40180963.